The following is an entry in ClinVar:

ClinVar aggregate classification (germline): Benign. Review status: criteria provided, multiple submitters, no conflicts (2 of 4 stars). 2 submissions from 2 submitters: Benign (2). Last evaluated 2018-06-20.

Allele frequency attached by ClinVar (database versions not stated): TOPMed 0.09966; 1000 Genomes Project 30x 0.10197; gnomAD 0.10387 and 0.10503; 1000 Genomes Project 0.10503; gnomAD exomes 0.11295.
gnomAD v4.1: 136,421 of 1,217,222 alleles (11%); highest among the groups gnomAD compares: South Asian, 17%; 8,344 homozygotes.

Submissions (2):

GeneDx
Classification: Benign. Last evaluated: 2018-06-20. Review status: criteria provided, single submitter. Criteria: GeneDx Variant Classification (06012015). Collection method: clinical testing. Allele origin: germline. Affected: yes.
Comment: This variant is considered likely benign or benign based on one or more of the following criteria: it is a conservative change, it occurs at a poorly conserved position in the protein, it is predicted to be benign by multiple in silico algorithms, and/or has population frequency not consistent with disease.

Breakthrough Genomics
Classification: Benign. Review status: criteria provided, single submitter. Criteria: ACMG Guidelines, 2015. Collection method: not provided. Allele origin: germline. Inheritance: Autosomal dominant inheritance. Affected: yes.

NM_003073.5(SMARCB1):c.987-139G>A

Gene: SMARCB1 (SWI/SNF related BAF chromatin remodeling complex subunit B1; plus strand). Cytogenetic location: 22q11.23.
Variant type: single nucleotide variant.
Coding change: c.987-139G>A on transcript NM_003073.5 (MANE Select); 139 bases into the intron before coding-DNA position 987, G replaced by A.
Molecular consequence: intron variant.
Genome position (GRCh38, 1-based): chr22:23,833,433, G>A. VCF-style: chr22-23833433-G-A. GRCh37 (hg19) VCF-style: chr22-24175620-G-A.
Other names: c.1041-139G>A (NM_001362877.2); c.1014-139G>A (NM_001317946.2); c.960-139G>A (NM_001007468.3).
Identifiers: ClinVar variation 677119 (VCV000677119.2), dbSNP rs2267046, ClinGen allele CA14993623.